The following is an entry in ClinVar:

ClinVar aggregate classification (germline): Uncertain significance. Review status: criteria provided, multiple submitters, no conflicts (2 of 4 stars). 6 submissions from 6 submitters: Uncertain significance (5). 1 of the submissions does not count toward it. Last evaluated 2026-05-14.

Conditions:
HGSNAT-related disorder. Also called: HGSNAT-related condition.
Inborn genetic diseases. Identifiers: MedGen C0950123, MeSH D030342.
Mucopolysaccharidosis, MPS-III-C (MPS3C). Also called: MPS IIIC (Sanfilippo Syndrome Type C); MUCOPOLYSACCHARIDOSIS, TYPE IIIC; Mucopolysaccharidosis type IIIC (Sanfilippo C); mucopolysaccharidosis type 3C; SANFILIPPO SYNDROME C; MPS III C. Identifiers: Orphanet 581, Orphanet 79271, MedGen C0086649, MONDO:0009657, OMIM 252930.
Retinitis pigmentosa 73 (RP73). Identifiers: Orphanet 791, MedGen C4225287, MONDO:0014687, OMIM 616544.

Allele frequency attached by ClinVar (database versions not stated): gnomAD exomes below 0.00001; gnomAD 0.00010 and 0.00008; TOPMed 0.00023.
gnomAD v4.1: 16 of 1,115,670 alleles (0.0014%); highest among the groups gnomAD compares: Admixed American, 0.081%; no homozygotes.

Submissions (6):

PreventionGenetics, part of Exact Sciences
Classification: Uncertain significance for HGSNAT-related condition. Last evaluated: 2026-05-14. Review status: criteria provided, single submitter. Criteria: ACMG Guidelines, 2015. Collection method: clinical testing. Allele origin: germline.
Comment: The HGSNAT c.32T>C variant is predicted to result in the amino acid substitution p.Leu11Pro. To our knowledge, this variant has not been reported in the literature or in gnomAD, indicating that it is rare. At this time, the clinical significance of this variant is uncertain due to the absence of conclusive functional and genetic evidence.

Mayo Clinic Laboratories, Mayo Clinic
Classification: Uncertain significance. Last evaluated: 2022-12-29. Review status: criteria provided, single submitter. Criteria: ACMG Guidelines, 2015. Collection method: clinical testing. Allele origin: germline. Observed: 3 variant alleles.
Comment: PM2

Blueprint Genetics
Classification: Uncertain significance. Last evaluated: 2022-11-07. Review status: criteria provided, single submitter. Criteria: ACMG Guidelines, 2015. Collection method: clinical testing. Allele origin: germline.

Labcorp Genetics (formerly Invitae), Labcorp
Classification: Uncertain significance for Retinitis pigmentosa 73; Mucopolysaccharidosis, MPS-III-C. Last evaluated: 2022-10-17. Review status: criteria provided, single submitter. Criteria: Invitae Variant Classification Sherloc (09022015). Collection method: clinical testing. Allele origin: germline.
Comment: This sequence change replaces leucine, which is neutral and non-polar, with proline, which is neutral and non-polar, at codon 11 of the HGSNAT protein (p.Leu11Pro). This variant is not present in population databases (gnomAD no frequency). This variant has not been reported in the literature in individuals affected with HGSNAT-related conditions. ClinVar contains an entry for this variant (Variation ID: 968935). Advanced modeling of protein sequence and biophysical properties (such as structural, functional, and spatial information, amino acid conservation, physicochemical variation, residue mobility, and thermodynamic stability) has been performed at Invitae for this missense variant, however the output from this modeling did not meet the statistical confidence thresholds required to predict the impact of this variant on HGSNAT protein function. In summary, the available evidence is currently insufficient to determine the role of this variant in disease. Therefore, it has been classified as a Variant of Uncertain Significance.

Ambry Genetics
Classification: Uncertain significance for Inborn genetic diseases. Last evaluated: 2021-01-08. Review status: criteria provided, single submitter. Criteria: Ambry Variant Classification Scheme 2023. Collection method: clinical testing. Allele origin: germline.

Natera, Inc.
Classification: Uncertain significance for Mucopolysaccharidosis type IIIC. Last evaluated: 2020-04-14. Review status: no assertion criteria provided. Collection method: clinical testing. Allele origin: germline. Not counted in ClinVar's aggregate classification.

NM_152419.3(HGSNAT):c.32T>C (p.Leu11Pro)

Genes: HGSNAT (heparan-alpha-glucosaminide N-acetyltransferase; plus strand), LOC130000316 (ATAC-STARR-seq lymphoblastoid silent region 19164; plus strand). Cytogenetic location: 8p11.21.
Variant type: single nucleotide variant.
Coding change: c.32T>C on transcript NM_152419.3 (MANE Select); coding-DNA position 32, T replaced by C.
Protein change: p.Leu11Pro; replaces leucine 11 with proline.
Molecular consequence: missense variant. On other transcripts: 5 prime UTR variant (1).
Genome position (GRCh38, 1-based): chr8:43,140,528, T>C. VCF-style: chr8-43140528-T-C. GRCh37 (hg19) VCF-style: chr8-42995671-T-C.
Other names: p.Leu11Pro; c.32T>C, p.Leu11Pro (NM_001363227.2, NM_001363228.2); c.-802T>C (NM_001363229.2); short protein forms L11P.
Identifiers: ClinVar variation 968935 (VCV000968935.9), dbSNP rs1025643467, ClinGen allele CA176095958.